The following is an entry in ClinVar:

ClinVar aggregate classification (germline): Likely benign (1 of 4 stars; one submission).

Conditions:
WDPCP-related disorder. Also called: WDPCP-related condition.

gnomAD v4.1: 2 of 1,614,114 alleles (0.00012%); highest among the groups gnomAD compares: Non-Finnish European, 0.00017%; no homozygotes.

Submission:

PreventionGenetics, part of Exact Sciences
Classification: Likely benign for WDPCP-related condition. Last evaluated: 2025-04-29. Review status: criteria provided, single submitter. Criteria: ACMG Guidelines, 2015. Collection method: clinical testing. Allele origin: germline.
Comment: This variant is classified as likely benign based on ACMG/AMP sequence variant interpretation guidelines (Richards et al. 2015 PMID: 25741868, with internal and published modifications).

NM_015910.7(WDPCP):c.1326A>G (p.Gln442=)

Gene: WDPCP (WD repeat containing planar cell polarity effector; minus strand). Cytogenetic location: 2p15.
Variant type: single nucleotide variant.
Coding change: c.1326A>G on transcript NM_015910.7 (MANE Select); coding-DNA position 1326, A replaced by G.
Protein change: p.Gln442=; no amino-acid change (glutamine 442 retained).
Molecular consequence: synonymous variant. On other transcripts: non-coding transcript variant (3).
Genome position (GRCh38, 1-based): chr2:63,404,157, T>C on the plus strand (A>G on the coding strand, the complement: WDPCP is on the minus strand). VCF-style: chr2-63404157-T-C. GRCh37 (hg19) VCF-style: chr2-63631292-T-C.
Other names: c.849A>G, p.Gln283= (NM_001042692.3); c.1254A>G, p.Gln418= (NM_001354044.2); c.1326A>G, p.Gln442= (NM_001354045.2).
Identifiers: ClinVar variation 4983182 (VCV004983182.1).
Genomic context (GRCh38, chr2:63,404,157, plus strand): 5'-GAGGAGATCATAGATATCACTACCTTCACCCTTCTGAGAAACAACCTGAGGAGCTATCCA[T>C]TGCATTTGAACAAGACTGCTGGAGGCATCAAATAATTTACTGAATTGCAGAGTCTCCCTG-3'
Protein context (NP_056994.3, residues 432-452): FDASSSLVQM[Gln442=]WIAPQVVSQK